The following is an entry in ClinVar:

ClinVar aggregate classification (germline): Uncertain significance (1 of 4 stars; one submission).

gnomAD v4.1: 5 of 1,613,908 alleles (0.00031%); highest among the groups gnomAD compares: African/African-American, 0.0027%; no homozygotes.

Submission:

CeGaT Center for Human Genetics Tuebingen
Classification: Uncertain significance. Last evaluated: 2026-06-01. Review status: criteria provided, single submitter. Criteria: CeGaT Center For Human Genetics Tuebingen Variant Classification Criteria Version 2. Collection method: clinical testing. Allele origin: germline. Affected: yes. Observed: 1 variant allele.
Comment: PANK2: PM2

NM_001386393.1(PANK2):c.573T>G (p.Asp191Glu)

Gene: PANK2 (pantothenate kinase 2; plus strand). Cytogenetic location: 20p13.
Variant type: single nucleotide variant.
Coding change: c.573T>G on transcript NM_001386393.1 (MANE Select); coding-DNA position 573, T replaced by G.
Protein change: p.Asp191Glu; replaces aspartic acid 191 with glutamic acid.
Molecular consequence: missense variant. On other transcripts: intron variant (1).
Genome position (GRCh38, 1-based): chr20:3,908,200, T>G. VCF-style: chr20-3908200-T-G. GRCh37 (hg19) VCF-style: chr20-3888847-T-G.
Other names: c.30T>G, p.Asp10Glu (NM_001324191.2, NM_024960.6, NM_153640.4); c.903T>G, p.Asp301Glu (NM_001324192.1, NM_153638.4); c.-328+65T>G (NM_001324193.2); short protein forms D10E, D191E, D301E.
Identifiers: ClinVar variation 4875227 (VCV004875227.2).